The following is an entry in ClinVar:

ClinVar aggregate classification (germline): Uncertain significance (1 of 4 stars; one submission).

Conditions:
Orthostatic hypotension 1 (ORTHYP1). Also called: NORADRENALINE DEFICIENCY; NOREPINEPHRINE DEFICIENCY; Dopamine beta-hydroxylase deficiency; Orthostatic hypotension 1, due to DBH deficiency. Identifiers: Orphanet 230, MedGen C4746777, MONDO:0009123, OMIM 223360.

Submission:

Labcorp Genetics (formerly Invitae), Labcorp
Classification: Uncertain significance for Orthostatic hypotension 1. Last evaluated: 2023-04-09. Review status: criteria provided, single submitter. Criteria: Invitae Variant Classification Sherloc (09022015). Collection method: clinical testing. Allele origin: germline.
Comment: This sequence change replaces leucine, which is neutral and non-polar, with valine, which is neutral and non-polar, at codon 424 of the DBH protein (p.Leu424Val). This variant is not present in population databases (gnomAD no frequency). This variant has not been reported in the literature in individuals affected with DBH-related conditions. Advanced modeling of protein sequence and biophysical properties (such as structural, functional, and spatial information, amino acid conservation, physicochemical variation, residue mobility, and thermodynamic stability) performed at Invitae indicates that this missense variant is not expected to disrupt DBH protein function. In summary, the available evidence is currently insufficient to determine the role of this variant in disease. Therefore, it has been classified as a Variant of Uncertain Significance.

NM_000787.4(DBH):c.1270C>G (p.Leu424Val)

Gene: DBH (dopamine beta-hydroxylase; plus strand). Cytogenetic location: 9q34.2.
Variant type: single nucleotide variant.
Coding change: c.1270C>G on transcript NM_000787.4 (MANE Select); coding-DNA position 1270, C replaced by G.
Protein change: p.Leu424Val; replaces leucine 424 with valine.
Molecular consequence: missense variant.
Genome position (GRCh38, 1-based): chr9:133,651,712, C>G. VCF-style: chr9-133651712-C-G. GRCh37 (hg19) VCF-style: chr9-136516834-C-G.
Other names: short protein forms L424V.
Identifiers: ClinVar variation 2788626 (VCV002788626.3), dbSNP rs2538352959, ClinGen allele CA375419180.